The following is an entry in ClinVar:

NM_004813.4(PEX16):c.446dup (p.Ala150fs)

Gene: PEX16 (peroxisomal biogenesis factor 16; minus strand). Cytogenetic location: 11p11.2.
Variant type: Duplication.
Coding change: c.446dup on transcript NM_004813.4 (MANE Select); coding-DNA position 446, one base duplicated (A; older notation c.446dupA).
Protein change: p.Ala150fs; shifts the reading frame from alanine 150.
Molecular consequence: frameshift variant.
Genome position (GRCh38, 1-based): chr11:45,915,482, T duplicated on the plus strand (A on the coding strand, the reverse complement: PEX16 is on the minus strand). VCF-style (leftmost placement, unchanged base first): chr11-45915481-C-CT. GRCh37 (hg19) VCF-style: chr11-45937032-C-CT.
Other names: c.446dup, p.Ala150fs (NM_057174.3); short protein forms A150fs.
Identifiers: ClinVar variation 1366308 (VCV001366308.6), dbSNP rs2134695309, ClinGen allele CA2573146337.

ClinVar aggregate classification (germline): Pathogenic (1 of 4 stars; one submission).

Conditions:
Peroxisome biogenesis disorder. Identifiers: Orphanet 79189, MedGen C1832200, MONDO:0019234. Disease mechanism: loss of function.

Submission:

Labcorp Genetics (formerly Invitae), Labcorp
Classification: Pathogenic for Peroxisome biogenesis disorder. Last evaluated: 2022-06-05. Review status: criteria provided, single submitter. Criteria: Invitae Variant Classification Sherloc (09022015). Collection method: clinical testing. Allele origin: germline.
Comment: For these reasons, this variant has been classified as Pathogenic. ClinVar contains an entry for this variant (Variation ID: 1366308). This variant has not been reported in the literature in individuals affected with PEX16-related conditions. This variant is not present in population databases (gnomAD no frequency). This sequence change creates a premature translational stop signal (p.Ala150Glyfs*7) in the PEX16 gene. It is expected to result in an absent or disrupted protein product. Loss-of-function variants in PEX16 are known to be pathogenic (PMID: 9837814, 11890679, 20647552, 20681997).

Literature cited by the submitters: PubMed 9837814; PubMed 11890679; PubMed 20647552; PubMed 20681997.